The following is an entry in ClinVar:

NM_000313.4(PROS1):c.1493-5A>G

Gene: PROS1 (protein S; minus strand). Cytogenetic location: 3q11.1.
Variant type: single nucleotide variant.
Coding change: c.1493-5A>G on transcript NM_000313.4 (MANE Select); 5 bases into the intron before coding-DNA position 1493, A replaced by G.
Molecular consequence: intron variant.
Genome position (GRCh38, 1-based): chr3:93,879,319, T>C on the plus strand (A>G on the coding strand, the complement: PROS1 is on the minus strand). VCF-style: chr3-93879319-T-C. GRCh37 (hg19) VCF-style: chr3-93598163-T-C.
Other names: c.1589-5A>G (NM_001314077.2).
Identifiers: ClinVar variation 5006704 (VCV005006704.2).

ClinVar aggregate classification (germline): Uncertain significance (1 of 4 stars; one submission).

Conditions:
Thrombophilia due to protein S deficiency, autosomal recessive (THPH6). Identifiers: Orphanet 743, MedGen C3281092, MONDO:0013791, OMIM 614514. Disease mechanism: loss of function.
Thrombophilia due to protein S deficiency, autosomal dominant (THPH5). Identifiers: Orphanet 26349, Orphanet 743, MedGen C3278211, MONDO:0012868, OMIM 612336. Disease mechanism: loss of function.

Submission:

Juno Genomics, Hangzhou Juno Genomics, Inc
Classification: Uncertain significance for Thrombophilia due to protein S deficiency, autosomal dominant; Thrombophilia due to protein S deficiency, autosomal recessive. Review status: criteria provided, single submitter. Criteria: ACMG Guidelines, 2015. Collection method: clinical testing. Allele origin: germline.
Comment: Absent from controls (or at extremely low frequency if recessive) in Genome Aggregation Database.;Multiple lines of computational evidence support a deleterious effect on the gene or gene product.